The following is an entry in ClinVar:

NM_033124.5(CCDC65):c.1087G>T (p.Val363Leu)

Gene: CCDC65 (coiled-coil domain containing 65; plus strand). Cytogenetic location: 12q13.12.
Variant type: single nucleotide variant.
Coding change: c.1087G>T on transcript NM_033124.5 (MANE Select); coding-DNA position 1087, G replaced by T.
Protein change: p.Val363Leu; replaces valine 363 with leucine.
Molecular consequence: missense variant.
Genome position (GRCh38, 1-based): chr12:48,920,990, G>T. VCF-style: chr12-48920990-G-T. GRCh37 (hg19) VCF-style: chr12-49314773-G-T.
Other names: c.658G>T, p.Val220Leu (NM_001286957.2); short protein forms V363L, V220L.
Identifiers: ClinVar variation 1431507 (VCV001431507.5), dbSNP rs1262504273, ClinGen allele CA384635364.

ClinVar aggregate classification (germline): Uncertain significance (1 of 4 stars; one submission).

Conditions:
Primary ciliary dyskinesia 27. Also called: CILIARY DYSKINESIA, PRIMARY, 27, WITHOUT SITUS INVERSUS. Identifiers: Orphanet 244, MedGen C3809701, MONDO:0014215, OMIM 615504.

Allele frequency attached by ClinVar (database versions not stated): gnomAD exomes 0.00001; gnomAD 0.00002; TOPMed 0.00002.
gnomAD v4.1: 19 of 1,613,684 alleles (0.0012%); highest among the groups gnomAD compares: Non-Finnish European, 0.0016%; no homozygotes.

Submission:

Labcorp Genetics (formerly Invitae), Labcorp
Classification: Uncertain significance for Primary ciliary dyskinesia 27. Last evaluated: 2021-10-09. Review status: criteria provided, single submitter. Criteria: Invitae Variant Classification Sherloc (09022015). Collection method: clinical testing. Allele origin: germline.
Comment: In summary, the available evidence is currently insufficient to determine the role of this variant in disease. Therefore, it has been classified as a Variant of Uncertain Significance. Algorithms developed to predict the effect of missense changes on protein structure and function (SIFT, PolyPhen-2, Align-GVGD) all suggest that this variant is likely to be disruptive. This variant has not been reported in the literature in individuals affected with CCDC65-related conditions. This variant is not present in population databases (ExAC no frequency). This sequence change replaces valine with leucine at codon 363 of the CCDC65 protein (p.Val363Leu). The valine residue is highly conserved and there is a small physicochemical difference between valine and leucine.